The following is an entry in ClinVar:

NM_174878.3(CLRN1):c.349G>A (p.Ala117Thr)

Gene: CLRN1 (clarin 1; minus strand). Cytogenetic location: 3q25.1.
Variant type: single nucleotide variant.
Coding change: c.349G>A on transcript NM_174878.3 (MANE Select); coding-DNA position 349, G replaced by A.
Protein change: p.Ala117Thr; replaces alanine 117 with threonine.
Molecular consequence: missense variant. On other transcripts: non-coding transcript variant (1).
Genome position (GRCh38, 1-based): chr3:150,941,666, C>T on the plus strand (G>A on the coding strand, the complement: CLRN1 is on the minus strand). VCF-style: chr3-150941666-C-T. GRCh37 (hg19) VCF-style: chr3-150659453-C-T.
Other names: c.349G>A, p.Ala117Thr (NM_001195794.1); c.521G>A, p.Ser174Asn (NM_001256819.2); c.121G>A, p.Ala41Thr (NM_052995.2); c.349G>A (NM_174878.2); short protein forms A41T, S174N, A117T.
Identifiers: ClinVar variation 2157880 (VCV002157880.4), dbSNP rs1484791801, ClinGen allele CA354955625.

ClinVar aggregate classification (germline): Uncertain significance. Review status: criteria provided, multiple submitters, no conflicts (2 of 4 stars). 4 submissions from 4 submitters: Uncertain significance (3). 1 of the submissions does not count toward it. Last evaluated 2025-05-28.

Conditions:
Inborn genetic diseases. Identifiers: MedGen C0950123, MeSH D030342.
Usher syndrome type 3. Also called: Usher Syndrome, Type III. Identifiers: Orphanet 231183, MedGen C1568248, MONDO:0016485.

Allele frequency attached by ClinVar (database versions not stated): gnomAD 0.00001; TOPMed 0.00001; gnomAD exomes 0.00002.
gnomAD v4.1: 15 of 1,613,920 alleles (0.00093%); highest among the groups gnomAD compares: Non-Finnish European, 0.0013%; no homozygotes.

Submissions (4):

Ambry Genetics
Classification: Uncertain significance for Inborn genetic diseases. Last evaluated: 2025-05-28. Review status: criteria provided, single submitter. Criteria: Ambry Variant Classification Scheme 2023. Collection method: clinical testing. Allele origin: germline.

Labcorp Genetics (formerly Invitae), Labcorp
Classification: Uncertain significance. Last evaluated: 2022-04-22. Review status: criteria provided, single submitter. Criteria: Invitae Variant Classification Sherloc (09022015). Collection method: clinical testing. Allele origin: germline.
Comment: This sequence change replaces alanine, which is neutral and non-polar, with threonine, which is neutral and polar, at codon 117 of the CLRN1 protein (p.Ala117Thr). This variant is not present in population databases (gnomAD no frequency). This variant has not been reported in the literature in individuals affected with CLRN1-related conditions. Algorithms developed to predict the effect of missense changes on protein structure and function are either unavailable or do not agree on the potential impact of this missense change (SIFT: "Deleterious"; PolyPhen-2: "Possibly Damaging"; Align-GVGD: "Class C0"). In summary, the available evidence is currently insufficient to determine the role of this variant in disease. Therefore, it has been classified as a Variant of Uncertain Significance.

Blueprint Genetics
Classification: Uncertain significance. Last evaluated: 2019-08-09. Review status: criteria provided, single submitter. Criteria: ACMG Guidelines, 2015. Collection method: clinical testing. Allele origin: germline.

Natera, Inc.
Classification: Uncertain significance for Usher syndrome type 3. Last evaluated: 2025-03-13. Review status: no assertion criteria provided. Collection method: clinical testing. Allele origin: germline. Not counted in ClinVar's aggregate classification.